The following is an entry in ClinVar:

NC_000015.9:g.(?_93528708)_(93528923_?)del

Gene: CHD2 (chromodomain helicase DNA binding protein 2; plus strand). Cytogenetic location: 15q26.1.
Variant type: Deletion.
Identifiers: ClinVar variation 2424058 (VCV002424058.6).

ClinVar aggregate classification (germline): Pathogenic (1 of 4 stars; one submission).

Conditions:
Developmental and epileptic encephalopathy 94 (DEE94). Also called: Epileptic encephalopathy, childhood-onset; CHD2-Related Neurodevelopmental Disorders. Identifiers: Orphanet 1942, Orphanet 2382, MedGen C3809278, MONDO:0014150, OMIM 615369.

Submission:

Labcorp Genetics (formerly Invitae), Labcorp
Classification: Pathogenic for Developmental and epileptic encephalopathy 94. Last evaluated: 2022-07-08. Review status: criteria provided, single submitter. Criteria: Invitae Variant Classification Sherloc (09022015). Collection method: clinical testing. Allele origin: germline.
Comment: For these reasons, this variant has been classified as Pathogenic. This variant has not been reported in the literature in individuals affected with CHD2-related conditions. This variant is a gross deletion of the genomic region encompassing exon(s) 26 of the CHD2 gene. This deletion is out-of-frame, and is expected to create a premature termination codon and result in an absent or disrupted protein product. Loss-of-function variants in CHD2 are known to be pathogenic (PMID: 23708187, 24207121).

Literature cited by the submitters: PubMed 23708187; PubMed 24207121.